The following is an entry in ClinVar:

NM_001035.3(RYR2):c.6192G>T (p.Glu2064Asp)

Gene: RYR2 (ryanodine receptor 2; plus strand). Cytogenetic location: 1q43.
Variant type: single nucleotide variant.
Coding change: c.6192G>T on transcript NM_001035.3 (MANE Select); coding-DNA position 6192, G replaced by T.
Protein change: p.Glu2064Asp; replaces glutamic acid 2064 with aspartic acid.
Molecular consequence: missense variant.
Genome position (GRCh38, 1-based): chr1:237,627,832, G>T. VCF-style: chr1-237627832-G-T. GRCh37 (hg19) VCF-style: chr1-237791132-G-T.
Other names: short protein forms E2064D.
Identifiers: ClinVar variation 855684 (VCV000855684.2), dbSNP rs1679843736, ClinGen allele CA345410386.

ClinVar aggregate classification (germline): Uncertain significance (1 of 4 stars; one submission).

Conditions:
Catecholaminergic polymorphic ventricular tachycardia (CVPT). Also called: Catecholamine-induced polymorphic ventricular tachycardia. Identifiers: Orphanet 3286, MedGen C5574922, MONDO:0017990.

Allele frequency attached by ClinVar (database versions not stated): gnomAD exomes below 0.00001.
gnomAD v4.1: 1 of 1,607,716 alleles (0.000062%); highest among the groups gnomAD compares: Non-Finnish European, 0.000085%; no homozygotes.

Submission:

Labcorp Genetics (formerly Invitae), Labcorp
Classification: Uncertain significance for Catecholaminergic polymorphic ventricular tachycardia. Last evaluated: 2019-03-11. Review status: criteria provided, single submitter. Criteria: Invitae Variant Classification Sherloc (09022015). Collection method: clinical testing. Allele origin: germline.
Comment: This sequence change replaces glutamic acid with aspartic acid at codon 2064 of the RYR2 protein (p.Glu2064Asp). The glutamic acid residue is highly conserved and there is a small physicochemical difference between glutamic acid and aspartic acid. This variant is not present in population databases (ExAC no frequency). This variant has not been reported in the literature in individuals with RYR2-related disease. Algorithms developed to predict the effect of missense changes on protein structure and function output the following: SIFT: "Tolerated"; PolyPhen-2: "Benign"; Align-GVGD: "Class C0". The aspartic acid amino acid residue is found in multiple mammalian species, suggesting that this missense change does not adversely affect protein function. These predictions have not been confirmed by published functional studies and their clinical significance is uncertain. In summary, the available evidence is currently insufficient to determine the role of this variant in disease. Therefore, it has been classified as a Variant of Uncertain Significance.